The following is an entry in ClinVar:

ClinVar aggregate classification (germline): Uncertain significance (1 of 4 stars; one submission).

Conditions:
ZFPM2-related disorder. Also called: ZFPM2-related condition.

gnomAD v4.1: 1 of 1,613,606 alleles (0.000062%); highest among the groups gnomAD compares: Admixed American, 0.0017%; no homozygotes.

Submission:

PreventionGenetics, part of Exact Sciences
Classification: Uncertain significance for ZFPM2-related condition. Last evaluated: 2025-10-09. Review status: criteria provided, single submitter. Criteria: ACMG Guidelines, 2015. Collection method: clinical testing. Allele origin: germline.
Comment: The ZFPM2 c.2705G>C variant is predicted to result in the amino acid substitution p.Arg902Pro. To our knowledge, this variant has not been reported in the literature or in a large population database (gnomAD), indicating this variant is rare. At this time, the clinical significance of this variant is uncertain due to the absence of conclusive functional and genetic evidence.

NM_012082.4(ZFPM2):c.2705G>C (p.Arg902Pro)

Genes: ZFPM2 (zinc finger protein, FOG family member 2; plus strand), ZFPM2-AS1 (ZFPM2 antisense RNA 1; minus strand), LOC126860469 (BRD4-independent group 4 enhancer GRCh37_chr8:106814445-106815644; plus strand). Cytogenetic location: 8q23.1.
Variant type: single nucleotide variant.
Coding change: c.2705G>C on transcript NM_012082.4 (MANE Select); coding-DNA position 2705, G replaced by C.
Protein change: p.Arg902Pro; replaces arginine 902 with proline.
Molecular consequence: missense variant.
Genome position (GRCh38, 1-based): chr8:105,802,787, G>C. VCF-style: chr8-105802787-G-C. GRCh37 (hg19) VCF-style: chr8-106815015-G-C.
Other names: c.2546G>C, p.Arg849Pro (NM_001362836.2); c.2309G>C, p.Arg770Pro (NM_001362837.2); short protein forms R770P, R902P, R849P.
Identifiers: ClinVar variation 4982980 (VCV004982980.1).